The following is an entry in ClinVar:

ClinVar aggregate classification (germline): Uncertain significance (1 of 4 stars; one submission).

Submission:

Women's Health and Genetics/Laboratory Corporation of America, LabCorp
Classification: Uncertain significance. Last evaluated: 2024-09-16. Review status: criteria provided, single submitter. Criteria: LabCorp Variant Classification Summary - May 2015. Collection method: clinical testing. Allele origin: germline.
Comment: Variant summary: The variant involves the duplication of exons 2-10 in the SACS gene. This duplication includes the entire coding sequence of the gene. As exact breakpoints are unknown, it may extend beyond the annotated region of the gene, to include other flanking genes. A presumed nomenclature of c.(-502+1_-501-1)_(*1307_?)dup has been designated for the purposes of this classification. A similar duplication variant extending to include both upstream and downstream regions (approximately 841kb) was found at a frequency of 0.00037 in 21694 control chromosomes (gnomAD Structural Variants dataset). The available data on variant occurrences in the general population are insufficient to allow any conclusion about variant significance. A similar duplication varaint encompassing the current variant as well as 8 additional genes has been reported in the literature as a de novo occurrence in at least one individual with multiple sclerosis and features of autosomal-recessive spastic ataxia of Charlevoix-Saguenay, however without strong evidence for causality (e.g., McElroy_2013). This report does not provide unequivocal conclusions about association of the variant with Autosomal Recessive Spastic Ataxia Of Charlevoix-Saguenay. To our knowledge, no experimental evidence demonstrating an impact on protein function has been reported. The following publication was ascertained in the context of this evaluation (PMID: 23239789). ClinVar contains an entry for this a similar duplication variant (Variation ID: 461620). Based on the evidence outlined above, the variant was classified as uncertain significance.

Literature cited by the submitters: PubMed 23239789.

NC_000013.10:g.(?_23902968)_(23985880_24007753)dup

Gene: SACS (sacsin molecular chaperone; minus strand). Cytogenetic location: 13q12.12.
Variant type: Duplication.
Identifiers: ClinVar variation 3374770 (VCV003374770.1).